The following is an entry in ClinVar:

NM_014000.3(VCL):c.1671C>T (p.Asp557=)

Gene: VCL (vinculin; plus strand). Cytogenetic location: 10q22.2.
Variant type: single nucleotide variant.
Coding change: c.1671C>T on transcript NM_014000.3 (MANE Select); coding-DNA position 1671, C replaced by T.
Protein change: p.Asp557=; no amino-acid change (aspartic acid 557 retained).
Molecular consequence: synonymous variant.
Genome position (GRCh38, 1-based): chr10:74,095,783, C>T. VCF-style: chr10-74095783-C-T. GRCh37 (hg19) VCF-style: chr10-75855541-C-T.
Other names: p.D557D:GAC>GAT; p.Asp557=; c.1671C>T, p.Asp557= (NM_003373.4).
Identifiers: ClinVar variation 45587 (VCV000045587.46), dbSNP rs137877092, ClinGen allele CA136715.
Genomic context (GRCh38, chr10:74,095,783, plus strand): 5'-TCGGCAAGATCTTCTCGCCAAGTGTGACCGAGTGGACCAGCTGACAGCCCAGCTGGCTGA[C>T]CTGGCTGCCAGAGGGGAAGGGGAGAGTCCTCAGGCACGAGCACTTGCATCTCAGCTCCAA-3'
Protein context (NP_054706.1, residues 547-567): RVDQLTAQLA[Asp557=]LAARGEGESP

ClinVar aggregate classification (germline): Benign/Likely benign. Review status: criteria provided, multiple submitters, no conflicts (2 of 4 stars). 17 submissions from 17 submitters: Benign (10); Likely benign (2). 5 of the submissions do not count toward it. Last evaluated 2026-02-03.

Conditions:
Cardiovascular phenotype. Identifiers: MedGen CN230736.
Cardiomyopathy (CMYO). Also called: Cardiomyopathies. Identifiers: Orphanet 167848, MedGen C0878544, MONDO:0004994, HP:0001638. Inheritance: Various modes of inheritance.
Dilated cardiomyopathy 1W (CMD1W). Identifiers: Orphanet 154, MedGen C1969639, MONDO:0012667, OMIM 611407.

Allele frequency attached by ClinVar (database versions not stated): ESP Exome Variant Server 0.00100; TOPMed 0.00118; gnomAD 0.00228 and 0.00265; gnomAD exomes 0.00292 and 0.00493; 1000 Genomes Project 30x 0.00297; 1000 Genomes Project 0.00319; ExAC 0.00511.
gnomAD v4.1: 4,721 of 1,614,146 alleles (0.29%); highest among the groups gnomAD compares: South Asian, 1.8%; 57 homozygotes.

Submissions (17):

Labcorp Genetics (formerly Invitae), Labcorp
Classification: Benign for Dilated cardiomyopathy 1W. Last evaluated: 2026-02-03. Review status: criteria provided, single submitter. Criteria: Invitae Variant Classification Sherloc (09022015). Collection method: clinical testing. Allele origin: germline.

ARUP Laboratories, Molecular Genetics and Genomics, ARUP Laboratories
Classification: Benign. Last evaluated: 2025-07-10. Review status: criteria provided, single submitter. Criteria: ARUP Molecular Germline Variant Investigation Process 2024. Collection method: clinical testing. Allele origin: germline.

Molecular Diagnostic Laboratory for Inherited Cardiovascular Disease, Montreal Heart Institute
Classification: Benign. Last evaluated: 2025-04-09. Review status: criteria provided, single submitter. Criteria: ACMG Guidelines, 2015. Collection method: clinical testing. Allele origin: germline. Affected: no.

Blueprint Genetics
Classification: Benign. Last evaluated: 2024-11-27. Review status: criteria provided, single submitter. Criteria: ACMG Guidelines, 2015. Collection method: clinical testing. Allele origin: germline.

Women's Health and Genetics/Laboratory Corporation of America, LabCorp
Classification: Benign. Last evaluated: 2019-03-04. Review status: criteria provided, single submitter. Criteria: LabCorp Variant Classification Summary - May 2015. Collection method: clinical testing. Allele origin: germline.
Comment: Variant summary: The variant, VCL c.1671C>T alters a non-conserved nucleotide resulting in a synonymous change. 5/5 computational tools predict no significant impact on normal splicing. However, these predictions have yet to be confirmed by functional studies. The variant allele was found at a frequency of 0.0049 in 277182 control chromosomes in the gnomAD database. The highest allele frequencies were detected within the South Asian (0.018) and the Finnish subpopulation (0.016), including 12 and 7 homozygotes, respectively. The observed variant frequency within South Asian control individuals in the gnomAD database is approximately 720 fold of the estimated maximal expected allele frequency for a pathogenic variant in VCL causing Cardiomyopathy phenotype (2.5e-05), strongly suggesting that the variant is a benign polymorphism. The variant, c.1671C>T has been reported in the literature in individuals affected with dilated cardiomyopathy (DCM) and hypertrophic cardiomyopathy (HCM) (Pugh 2014, Bottillo 2016), however, without evidence for pathogenicity. To our knowledge, no experimental evidence demonstrating an impact on protein function has been reported. Five clinical diagnostic laboratories have submitted clinical-significance assessments for this variant to ClinVar after 2014 without evidence for independent evaluation (four classifying it as benign and one as a VUS). Based on the evidence outlined above, the variant was classified as benign.

Illumina Laboratory Services, Illumina
Classification: Likely benign for Dilated cardiomyopathy 1W. Last evaluated: 2018-01-12. Review status: criteria provided, single submitter. Criteria: ICSL Variant Classification Criteria 13 December 2019. Collection method: clinical testing. Allele origin: germline.
Comment: This variant was observed in the ICSL laboratory as part of a predisposition screen in an ostensibly healthy population. It had not been previously curated by ICSL or reported in the Human Gene Mutation Database (HGMD: prior to June 1st, 2018), and was therefore a candidate for classification through an automated scoring system. Utilizing variant allele frequency, disease prevalence and penetrance estimates, and inheritance mode, an automated score was calculated to assess if this variant is too frequent to cause the disease. Based on the score and internal cut-off values, a variant classified as likely benign is not then subjected to further curation. The score for this variant resulted in a classification of likely benign for this disease.

Laboratory for Molecular Medicine, Mass General Brigham Personalized Medicine
Classification: Benign. Last evaluated: 2017-01-30. Review status: criteria provided, single submitter. Criteria: LMM Criteria. Collection method: clinical testing. Allele origin: germline. Observed: 13 variant alleles.
Comment: p.Asp557Asp in exon 12 of VCL: This variant is not expected to have clinical sig nificance because it does not alter an amino acid residue and has been identifie d in 1.6% (105/6612) of European chromosomes by the Exome Aggregation Consortiu m (ExAC; dbSNP rs137877092).

Mayo Clinic Laboratories, Mayo Clinic
Classification: Benign. Last evaluated: 2016-12-12. Review status: criteria provided, single submitter. Criteria: ACMG Guidelines, 2015. Collection method: clinical testing. Allele origin: germline. Observed: 9 variant alleles.

CHEO Genetics Diagnostic Laboratory, Children's Hospital of Eastern Ontario
Classification: Benign for Cardiomyopathy. Last evaluated: 2016-03-07. Review status: criteria provided, single submitter. Criteria: ACMG Guidelines, 2015. Collection method: clinical testing. Allele origin: germline. Study: Canadian Open Genetics Repository.

Ambry Genetics
Classification: Benign for Cardiovascular phenotype. Last evaluated: 2015-07-15. Review status: criteria provided, single submitter. Criteria: Ambry Variant Classification Scheme 2023. Collection method: clinical testing. Allele origin: germline.

GeneDx
Classification: Benign. Last evaluated: 2014-07-02. Review status: criteria provided, single submitter. Criteria: GeneDx Variant Classification (06012015). Collection method: clinical testing. Allele origin: germline. Affected: yes.
Comment: This variant is considered likely benign or benign based on one or more of the following criteria: it is a conservative change, it occurs at a poorly conserved position in the protein, it is predicted to be benign by multiple in silico algorithms, and/or has population frequency not consistent with disease.

Breakthrough Genomics
Classification: Likely benign. Review status: criteria provided, single submitter. Criteria: ACMG Guidelines, 2015. Collection method: not provided. Allele origin: germline. Inheritance: Autosomal dominant inheritance. Affected: yes.

Clinical Genetics DNA and cytogenetics Diagnostics Lab, Erasmus MC, Erasmus Medical Center
Classification: Likely benign. Review status: no assertion criteria provided. Collection method: clinical testing. Allele origin: germline. Affected: yes. Study: VKGL Data-share Consensus. Not counted in ClinVar's aggregate classification.

Clinical Genetics, Academic Medical Center
Classification: Benign. Review status: no assertion criteria provided. Collection method: clinical testing. Allele origin: germline. Affected: yes. Study: VKGL Data-share Consensus. Not counted in ClinVar's aggregate classification.

Diagnostic Laboratory, Department of Genetics, University Medical Center Groningen
Classification: Likely benign. Review status: no assertion criteria provided. Collection method: clinical testing. Allele origin: germline. Affected: yes. Study: VKGL Data-share Consensus. Not counted in ClinVar's aggregate classification.

Genome Diagnostics Laboratory, University Medical Center Utrecht
Classification: Benign. Review status: no assertion criteria provided. Collection method: clinical testing. Allele origin: germline. Affected: yes. Study: VKGL Data-share Consensus. Not counted in ClinVar's aggregate classification.

Joint Genome Diagnostic Labs from Nijmegen and Maastricht, Radboudumc and MUMC+
Classification: Likely benign. Review status: no assertion criteria provided. Collection method: clinical testing. Allele origin: germline. Affected: yes. Study: VKGL Data-share Consensus. Not counted in ClinVar's aggregate classification.

Literature cited by the submitters: PubMed 24503780 (cited by Women's Health and Genetics/Laboratory Corporation of America, LabCorp); PubMed 26656175 (cited by Women's Health and Genetics/Laboratory Corporation of America, LabCorp).